The following is an entry in ClinVar:

ClinVar aggregate classification (germline): Uncertain significance. Review status: criteria provided, multiple submitters, no conflicts (2 of 4 stars). 3 submissions from 3 submitters: Uncertain significance (3). Last evaluated 2026-02-23.

Conditions:
Neuropathy, hereditary sensory, type 2C. Also called: KIF1A-Related HSAN2 (HSAN2C); Hereditary sensory and autonomic neuropathy type IIC. Identifiers: Orphanet 970, MedGen C3280168, MONDO:0013634, OMIM 614213.
Intellectual disability, autosomal dominant 9 (NESCAVS). Also called: NESCAV SYNDROME; KIF1A-Related Neurodevelopmental Disorder. Identifiers: Orphanet 662367, MedGen C5393830, MONDO:0013656, OMIM 614255.
Hereditary spastic paraplegia 30. Identifiers: Orphanet 101010, MedGen C5235139, MONDO:0012476.

Allele frequency attached by ClinVar (database versions not stated): TOPMed below 0.00001; gnomAD exomes 0.00001.
gnomAD v4.1: 18 of 1,612,932 alleles (0.0011%); highest among the groups gnomAD compares: Non-Finnish European, 0.0014%; no homozygotes.

Submissions (3):

Women's Health and Genetics/Laboratory Corporation of America, LabCorp
Classification: Uncertain significance. Last evaluated: 2026-02-23. Review status: criteria provided, single submitter. Criteria: LabCorp Variant Classification Summary - May 2015. Collection method: clinical testing. Allele origin: germline.
Comment: Variant summary: KIF1A c.1544T>C (p.Ile515Thr) results in a non-conservative amino acid change in the encoded protein sequence. Algorithms developed to predict the effect of missense changes on protein structure and function are either unavailable or do not agree on the potential impact of this missense change. The variant allele was found at a frequency of 8.1e-06 in 248278 control chromosomes. The available data on variant occurrences in the general population are insufficient to allow any conclusion about variant significance. To our knowledge, no occurrence of c.1544T>C in individuals affected with KIF1A-related conditions and no experimental evidence demonstrating its impact on protein function have been reported. ClinVar contains an entry for this variant (Variation ID: 1499412). Based on the evidence outlined above, the variant was classified as uncertain significance.

CeGaT Center for Human Genetics Tuebingen
Classification: Uncertain significance. Last evaluated: 2024-10-01. Review status: criteria provided, single submitter. Criteria: CeGaT Center For Human Genetics Tuebingen Variant Classification Criteria Version 2. Collection method: clinical testing. Allele origin: germline. Affected: yes. Observed: 1 variant allele.
Comment: KIF1A: PP2

Labcorp Genetics (formerly Invitae), Labcorp
Classification: Uncertain significance for Hereditary spastic paraplegia 30; Neuropathy, hereditary sensory, type 2C; Intellectual disability, autosomal dominant 9. Last evaluated: 2021-03-07. Review status: criteria provided, single submitter. Criteria: Invitae Variant Classification Sherloc (09022015). Collection method: clinical testing. Allele origin: germline.
Comment: This sequence change replaces isoleucine with threonine at codon 515 of the KIF1A protein (p.Ile515Thr). The isoleucine residue is moderately conserved and there is a moderate physicochemical difference between isoleucine and threonine. This variant is not present in population databases (ExAC no frequency). This variant has not been reported in the literature in individuals with KIF1A-related conditions. Algorithms developed to predict the effect of missense changes on protein structure and function output the following: SIFT: "Tolerated"; PolyPhen-2: "Benign"; Align-GVGD: "Class C0". The threonine amino acid residue is found in multiple mammalian species, suggesting that this missense change does not adversely affect protein function. These predictions have not been confirmed by published functional studies and their clinical significance is uncertain. In summary, the available evidence is currently insufficient to determine the role of this variant in disease. Therefore, it has been classified as a Variant of Uncertain Significance.

NM_001244008.2(KIF1A):c.1571T>C (p.Ile524Thr)

Gene: KIF1A (kinesin family member 1A; minus strand). Cytogenetic location: 2q37.3.
Variant type: single nucleotide variant.
Coding change: c.1571T>C on transcript NM_001244008.2 (MANE Select); coding-DNA position 1571, T replaced by C.
Protein change: p.Ile524Thr; replaces isoleucine 524 with threonine.
Molecular consequence: missense variant.
Genome position (GRCh38, 1-based): chr2:240,767,272, A>G on the plus strand (T>C on the coding strand, the complement: KIF1A is on the minus strand). VCF-style: chr2-240767272-A-G. GRCh37 (hg19) VCF-style: chr2-241706689-A-G.
Other names: c.1571T>C, p.Ile524Thr (NM_001320705.2, NM_001330289.2, NM_001379638.1); c.1646T>C, p.Ile549Thr (NM_001330290.2, NM_001379631.1, NM_001379634.1 and 2 more transcripts); c.1544T>C, p.Ile515Thr (NM_001379632.1, NM_001379633.1, NM_001379636.1 and 10 more transcripts); c.1619T>C, p.Ile540Thr (NM_001379637.1, NM_001379648.1); short protein forms I540T, I515T, I524T, I549T.
Identifiers: ClinVar variation 1499412 (VCV001499412.23), dbSNP rs1355751702, ClinGen allele CA351328410.